The following is an entry in ClinVar:

ClinVar aggregate classification (germline): Uncertain significance (1 of 4 stars; one submission).

Conditions:
Wilson-Turner syndrome (WTS). Also called: MENTAL RETARDATION, X-LINKED, SYNDROMIC 6; INTELLECTUAL DEVELOPMENTAL DISORDER, X-LINKED, SYNDROMIC, WILSON-TURNER TYPE. Identifiers: Orphanet 3459, MedGen C1839736, MONDO:0010665, OMIM 309585.

Allele frequency attached by ClinVar (database versions not stated): ExAC below 0.00001; gnomAD exomes 0.00003 and 0.00006; TOPMed 0.00004; gnomAD 0.00005.

Submission:

Labcorp Genetics (formerly Invitae), Labcorp
Classification: Uncertain significance for Wilson-Turner syndrome. Last evaluated: 2025-10-09. Review status: criteria provided, single submitter. Criteria: Invitae Variant Classification Sherloc (09022015). Collection method: clinical testing. Allele origin: germline.
Comment: This sequence change replaces glycine, which is neutral and non-polar, with serine, which is neutral and polar, at codon 313 of the LAS1L protein (p.Gly313Ser). This variant is present in population databases (rs745313876, gnomAD 0.007%). This variant has not been reported in the literature in individuals affected with LAS1L-related conditions. ClinVar contains an entry for this variant (Variation ID: 579081). Invitae Evidence Modeling of protein sequence and biophysical properties (such as structural, functional, and spatial information, amino acid conservation, physicochemical variation, residue mobility, and thermodynamic stability) indicates that this missense variant is not expected to disrupt LAS1L protein function with a negative predictive value of 80%. In summary, the available evidence is currently insufficient to determine the role of this variant in disease. Therefore, it has been classified as a Variant of Uncertain Significance.

NM_031206.7(LAS1L):c.937G>A (p.Gly313Ser)

Gene: LAS1L (LAS1 like ribosome biogenesis factor; minus strand). Cytogenetic location: Xq12.
Variant type: single nucleotide variant.
Coding change: c.937G>A on transcript NM_031206.7 (MANE Select); coding-DNA position 937, G replaced by A.
Protein change: p.Gly313Ser; replaces glycine 313 with serine.
Molecular consequence: missense variant. On other transcripts: non-coding transcript variant (1), intron variant (1).
Genome position (GRCh38, 1-based): chrX:65,528,279, C>T on the plus strand (G>A on the coding strand, the complement: LAS1L is on the minus strand). VCF-style: chrX-65528279-C-T. GRCh37 (hg19) VCF-style: chrX-64748159-C-T.
Other names: c.937G>A, p.Gly313Ser (NM_001170649.2, NM_001375328.1, NM_001375329.1 and 7 more transcripts); c.811G>A, p.Gly271Ser (NM_001170650.2); c.50+933G>A (NM_001375332.1); short protein forms G313S, G271S.
Identifiers: ClinVar variation 579081 (VCV000579081.9), dbSNP rs745313876, ClinGen allele CA10434001.